The following is an entry in ClinVar:

ClinVar aggregate classification (germline): Pathogenic/Likely pathogenic. Review status: criteria provided, multiple submitters, no conflicts (2 of 4 stars). 9 submissions from 9 submitters: Pathogenic (8); Likely pathogenic (1). Last evaluated 2026-03-21.

Conditions:
MYBPC3-related disorder. Also called: MYBPC3-related condition; MYBPC3-related disease; MYBPC3-related disorders.
Cardiovascular phenotype. Identifiers: MedGen CN230736.
Cardiomyopathy (CMYO). Also called: Cardiomyopathies. Identifiers: Orphanet 167848, MedGen C0878544, MONDO:0004994, HP:0001638. Inheritance: Various modes of inheritance.
Primary familial hypertrophic cardiomyopathy (HCM). Identifiers: Orphanet 99739, MedGen C0949658, MeSH D024741, MONDO:0024573. Inheritance: Various modes of inheritance.
Hypertrophic cardiomyopathy. Also called: HYPERTROPHIC MYOCARDIOPATHY. Identifiers: Orphanet 217569, MedGen C0007194, MeSH D002312, MONDO:0005045, HP:0001639.

gnomAD v4.1: 1 of 1,586,174 alleles (0.000063%); highest among the groups gnomAD compares: Admixed American, 0.0018%; no homozygotes.

Submissions (9):

GeneDx
Classification: Pathogenic. Last evaluated: 2026-03-21. Review status: criteria provided, single submitter. Criteria: GeneDx Variant Classification Process June 2021. Collection method: clinical testing. Allele origin: germline.
Comment: Not observed at significant frequency in large population cohorts (gnomAD); Nonsense variant predicted to result in protein truncation or nonsense mediated decay in a gene for which loss of function is a known mechanism of disease; This variant is associated with the following publications: (PMID: 36129056, 38225666, 38777137)

Labcorp Genetics (formerly Invitae), Labcorp
Classification: Pathogenic for Hypertrophic cardiomyopathy. Last evaluated: 2024-12-17. Review status: criteria provided, single submitter. Criteria: Invitae Variant Classification Sherloc (09022015). Collection method: clinical testing. Allele origin: germline.
Comment: This sequence change creates a premature translational stop signal (p.Lys301*) in the MYBPC3 gene. It is expected to result in an absent or disrupted protein product. Loss-of-function variants in MYBPC3 are known to be pathogenic (PMID: 19574547). This variant is present in population databases (rs730880629, gnomAD 0.003%). This premature translational stop signal has been observed in individual(s) with MYBPC3-related disease (internal data). ClinVar contains an entry for this variant (Variation ID: 181054). Algorithms developed to predict the effect of sequence changes on RNA splicing suggest that this variant may disrupt the consensus splice site. For these reasons, this variant has been classified as Pathogenic.

Ambry Genetics
Classification: Pathogenic for Cardiovascular phenotype. Last evaluated: 2023-07-14. Review status: criteria provided, single submitter. Criteria: Ambry Variant Classification Scheme 2023. Collection method: clinical testing. Allele origin: germline.
Comment: The p.K301* pathogenic mutation (also known as c.901A>T), located in coding exon 9 of the MYBPC3 gene, results from an A to T substitution at nucleotide position 901. This changes the amino acid from a lysine to a stop codon within coding exon 9. This alteration is expected to result in loss of function by premature protein truncation or nonsense-mediated mRNA decay. As such, this alteration is interpreted as a disease-causing mutation.

All of Us Research Program, National Institutes of Health
Classification: Pathogenic for Hypertrophic cardiomyopathy. Last evaluated: 2023-06-26. Review status: criteria provided, single submitter. Criteria: ACMG Guidelines, 2015. Collection method: clinical testing. Allele origin: germline. Inheritance: Autosomal dominant inheritance. Observed: 1 variant allele, 1 heterozygote.
Comment: This variant changes 1 nucleotide in exon 9 of the MyBP-C motif of the MYBPC3 gene, creating a premature translation stop signal. This variant is expected to result in an absent or non-functional protein product. To our knowledge, this variant has not been reported in individuals affected with MYBPC3-related disorders in the literature. This variant has been identified in 1/208008 chromosomes in the general population by the Genome Aggregation Database (gnomAD). Loss of MYBPC3 function is a known mechanism of disease. Based on the available evidence, this variant is classified as Pathogenic.

This study involves interpretation of variants in research participants for the purpose of population health screening. Participant phenotype was not available at the time of variant classification. Additional details can be found in publication PMID: 35346344, PMCID: PMC8962531

Color Diagnostics, LLC DBA Color Health
Classification: Pathogenic for Cardiomyopathy. Last evaluated: 2023-04-26. Review status: criteria provided, single submitter. Criteria: ACMG Guidelines, 2015. Collection method: clinical testing. Allele origin: germline.
Comment: This variant changes 1 nucleotide in exon 9 of the MyBP-C motif of the MYBPC3 gene, creating a premature translation stop signal. This variant is expected to result in an absent or non-functional protein product. To our knowledge, this variant has not been reported in individuals affected with MYBPC3-related disorders in the literature. This variant has been identified in 1/208008 chromosomes in the general population by the Genome Aggregation Database (gnomAD). Loss of MYBPC3 function is a known mechanism of disease. Based on the available evidence, this variant is classified as Pathogenic.

Mayo Clinic Laboratories, Mayo Clinic
Classification: Pathogenic. Last evaluated: 2021-06-08. Review status: criteria provided, single submitter. Criteria: ACMG Guidelines, 2015. Collection method: clinical testing. Allele origin: germline.
Comment: PVS1, PM2_supporting

Blueprint Genetics
Classification: Pathogenic for MYBPC3-related disorders. Last evaluated: 2019-08-19. Review status: criteria provided, single submitter. Criteria: ACMG Guidelines, 2015. Collection method: clinical testing. Allele origin: germline. Affected: yes. Observed: 4 variant alleles.

CHEO Genetics Diagnostic Laboratory, Children's Hospital of Eastern Ontario
Classification: Likely pathogenic for Cardiomyopathy. Last evaluated: 2019-07-16. Review status: criteria provided, single submitter. Criteria: ACMG Guidelines, 2015. Collection method: clinical testing. Allele origin: germline.

Molecular Diagnostic Laboratory for Inherited Cardiovascular Disease, Montreal Heart Institute
Classification: Pathogenic for Primary familial hypertrophic cardiomyopathy. Review status: criteria provided, single submitter. Criteria: ACMG Guidelines, 2015. Collection method: clinical testing. Allele origin: germline. Affected: yes.

Literature cited by the submitters: PubMed 19574547 (cited by Labcorp Genetics (formerly Invitae), Labcorp).

NM_000256.3(MYBPC3):c.901A>T (p.Lys301Ter)

Gene: MYBPC3 (myosin binding protein C3; minus strand). Cytogenetic location: 11p11.2.
Variant type: single nucleotide variant.
Coding change: c.901A>T on transcript NM_000256.3 (MANE Select); coding-DNA position 901, A replaced by T.
Protein change: p.Lys301Ter; replaces lysine 301 with a stop codon.
Molecular consequence: nonsense.
Genome position (GRCh38, 1-based): chr11:47,347,430, T>A on the plus strand (A>T on the coding strand, the complement: MYBPC3 is on the minus strand). VCF-style: chr11-47347430-T-A. GRCh37 (hg19) VCF-style: chr11-47368981-T-A.
Other names: p.K301*:AAG>TAG; p.Lys301*; c.901A>T, p.Lys301Ter (LRG_386t1); short protein forms K301*.
Identifiers: ClinVar variation 181054 (VCV000181054.25), dbSNP rs730880629, ClinGen allele CA016013.
Genomic context (GRCh38, chr11:47,347,430, plus strand): 5'-TGGGATTTGGAGCCAGGCCTCACCAGCTGCCCCAGGAACTGCCACCCAGGACTCACCTCT[T>A]TTTCAGCAGTGAGCTGAAGTCCAGAATCCCAGTGTCCTCATGGCTATCACTATGGAGAGG-3'